The following is an entry in ClinVar:

NC_000013.11:g.(?_32356428)_(32357929_?)del

Gene: BRCA2 (BRCA2 DNA repair associated; plus strand). Cytogenetic location: 13q13.1.
Variant type: Deletion.
Identifiers: ClinVar variation 417472 (VCV000417472.1).

ClinVar aggregate classification (germline): Pathogenic (1 of 4 stars; one submission).

Conditions:
Hereditary breast ovarian cancer syndrome. Also called: Breast and ovarian cancer; Hereditary breast and ovarian cancer; Hereditary breast and/or ovarian cancer syndrome; BRCA1- and BRCA2-Associated Hereditary Breast and Ovarian Cancer; Hereditary breast and ovarian cancer syndrome (HBOC); Hereditary breast and ovarian cancer syndrome. Identifiers: Orphanet 145, MedGen C0677776, MeSH D061325, MONDO:0003582. Disease mechanism: loss of function.

Submission:

Labcorp Genetics (formerly Invitae), Labcorp
Classification: Pathogenic for Hereditary breast ovarian cancer syndrome. Last evaluated: 2016-12-13. Review status: criteria provided, single submitter. Criteria: Invitae Variant Classification Sherloc (09022015). Collection method: clinical testing. Allele origin: germline.
Comment: This variant is a gross deletion of the genomic region encompassing exons 15-16 of the BRCA2 gene. This creates a premature translational stop signal and is expected to result in an absent or disrupted protein product. Loss-of-function variants in BRCA2 are known to be pathogenic. Deletions of exons 15-16 have been reported in the literature in individuals affected with ovarian cancer (PMID: 21324516, 19894111), two related individuals with breast cancer (PMID: 17063271), and an individual with breast cancer, gastric cancer, and hepatocellular cancer (PMID: 23099436). For these reasons, this variant has been classified as Pathogenic.